The following is an entry in ClinVar:

NM_000214.3(JAG1):c.758G>C (p.Cys253Ser)

Gene: JAG1 (jagged canonical Notch ligand 1; minus strand). Cytogenetic location: 20p12.2.
Variant type: single nucleotide variant.
Coding change: c.758G>C on transcript NM_000214.3 (MANE Select); coding-DNA position 758, G replaced by C.
Protein change: p.Cys253Ser; replaces cysteine 253 with serine.
Molecular consequence: missense variant.
Genome position (GRCh38, 1-based): chr20:10,652,596, C>G on the plus strand (G>C on the coding strand, the complement: JAG1 is on the minus strand). VCF-style: chr20-10652596-C-G. GRCh37 (hg19) VCF-style: chr20-10633244-C-G.
Other names: short protein forms C253S.
Identifiers: ClinVar variation 3573363 (VCV003573363.2).
Genomic context (GRCh38, chr20:10,652,596, plus strand): 5'-TGGACGCATCCCGGGTGTGGGATGCACTTATCACAGTACAGGCCTTGCCAGCCGTACTGG[C>G]ACCTGGAGACACACAGCACACCTCCAGGTTAGCCTTTTGAACGTTAAGAGACACCTGTAC-3'
Protein context (NP_000205.1, residues 243-263): GSCKLPGDCR[Cys253Ser]QYGWQGLYCD

Conditions:
Arteriohepatic dysplasia. Also called: Alagille Syndrome. Identifiers: Orphanet 52, MedGen C0085280, MeSH D016738, MONDO:0007318.

Submission:

Gilbert/Spinner Lab, Children's Hospital of Philadelphia
No classification provided (evidence only). Condition: Alagille syndrome. Review status: no classification provided. Collection method: research. Allele origin: not applicable. Functional consequence: functionally_abnormal.
ClinVar note: "not provided" was previously submitted as the classification for the variant. However, the classification appeared to be based only on an observation of functional data so it was converted to no classification on 2025-07-30.